The following is an entry in ClinVar:

ClinVar aggregate classification (germline): Uncertain significance (1 of 4 stars; one submission).

Conditions:
Hereditary cancer-predisposing syndrome. Also called: Tumor predisposition; Hereditary neoplastic syndrome; Neoplastic Syndromes, Hereditary; Hereditary Cancer Syndrome. Identifiers: Orphanet 140162, MedGen C0027672, MeSH D009386, MONDO:0015356.

Submission:

Ambry Genetics
Classification: Uncertain significance for Hereditary cancer-predisposing syndrome. Last evaluated: 2025-04-16. Review status: criteria provided, single submitter. Criteria: Ambry Variant Classification Scheme 2023. Collection method: clinical testing. Allele origin: germline.
Comment: The p.I462V variant (also known as c.1384A>G), located in coding exon 12 of the EGFR gene, results from an A to G substitution at nucleotide position 1384. The isoleucine at codon 462 is replaced by valine, an amino acid with highly similar properties. This amino acid position is conserved. In addition, this alteration is predicted to be tolerated by in silico analysis. Based on the available evidence, the clinical significance of this variant remains unclear.

NM_005228.5(EGFR):c.1384A>G (p.Ile462Val)

Gene: EGFR (epidermal growth factor receptor; plus strand). Cytogenetic location: 7p11.2.
Variant type: single nucleotide variant.
Coding change: c.1384A>G on transcript NM_005228.5 (MANE Select); coding-DNA position 1384, A replaced by G.
Protein change: p.Ile462Val; replaces isoleucine 462 with valine.
Molecular consequence: missense variant.
Genome position (GRCh38, 1-based): chr7:55,160,224, A>G. VCF-style: chr7-55160224-A-G. GRCh37 (hg19) VCF-style: chr7-55227917-A-G.
Other names: c.1249A>G, p.Ile417Val (NM_001346897.2, NM_001346899.2); c.1384A>G, p.Ile462Val (NM_001346898.2, NM_201282.2, NM_201284.2); c.1225A>G, p.Ile409Val (NM_001346900.2); c.583A>G, p.Ile195Val (NM_001346941.2); short protein forms I417V, I195V, I409V, I462V.
Identifiers: ClinVar variation 4016745 (VCV004016745.1).